The following is an entry in ClinVar:

NM_000406.3(GNRHR):c.*2767T>C

Gene: GNRHR (gonadotropin releasing hormone receptor; minus strand). Cytogenetic location: 4q13.2.
Variant type: single nucleotide variant.
Coding change: c.*2767T>C on transcript NM_000406.3 (MANE Select); 2767 bases downstream of the stop codon, T replaced by C.
Molecular consequence: 3 prime UTR variant.
Genome position (GRCh38, 1-based): chr4:67,737,713, A>G on the plus strand (T>C on the coding strand, the complement: GNRHR is on the minus strand). VCF-style: chr4-67737713-A-G. GRCh37 (hg19) VCF-style: chr4-68603431-A-G.
Other names: c.*2876T>C (NM_001012763.2).
Identifiers: ClinVar variation 906355 (VCV000906355.4), dbSNP rs12507392, ClinGen allele CA98666661.

ClinVar aggregate classification (germline): Likely benign (1 of 4 stars; one submission).

Conditions:
Hypogonadotropic hypogonadism 7 with or without anosmia (HH7). Also called: HYPOGONADOTROPIC HYPOGONADISM 7 WITHOUT ANOSMIA; GNRHR-Related GnRH Deficiency. Identifiers: Orphanet 432, MedGen C0342384, MONDO:0007794, OMIM 146110.

Allele frequency attached by ClinVar (database versions not stated): gnomAD 0.01831 and 0.01897; TOPMed 0.02255; 1000 Genomes Project 0.03514; 1000 Genomes Project 30x 0.03623.

Submission:

Illumina Laboratory Services, Illumina
Classification: Likely benign for Hypogonadotropic hypogonadism 7 with or without anosmia. Last evaluated: 2018-01-12. Review status: criteria provided, single submitter. Criteria: ICSL Variant Classification Criteria 13 December 2019. Collection method: clinical testing. Allele origin: germline.
Comment: This variant was observed in the ICSL laboratory as part of a predisposition screen in an ostensibly healthy population. It had not been previously curated by ICSL or reported in the Human Gene Mutation Database (HGMD: prior to June 1st, 2018), and was therefore a candidate for classification through an automated scoring system. Utilizing variant allele frequency, disease prevalence and penetrance estimates, and inheritance mode, an automated score was calculated to assess if this variant is too frequent to cause the disease. Based on the score and internal cut-off values, a variant classified as likely benign is not then subjected to further curation. The score for this variant resulted in a classification of likely benign for this disease.